The following is an entry in ClinVar:

ClinVar aggregate classification (germline): Uncertain significance (1 of 4 stars; one submission).

Conditions:
Charcot-Marie-Tooth disease recessive intermediate C. Also called: CHARCOT-MARIE-TOOTH NEUROPATHY, RECESSIVE INTERMEDIATE C. Identifiers: Orphanet 369867, MedGen C3809309, MONDO:0014154, OMIM 615376.
Neuronopathy, distal hereditary motor, autosomal recessive 4. Also called: NEUROPATHY, DISTAL HEREDITARY MOTOR, AUTOSOMAL RECESSIVE 4; Autosomal recessive lower motor neuron disease with childhood onset. Identifiers: Orphanet 206580, MedGen C1970211, MONDO:0012608, OMIM 611067.

Submission:

Labcorp Genetics (formerly Invitae), Labcorp
Classification: Uncertain significance for Neuronopathy, distal hereditary motor, autosomal recessive 4; Charcot-Marie-Tooth disease recessive intermediate C. Last evaluated: 2018-07-10. Review status: criteria provided, single submitter. Criteria: Invitae Variant Classification Sherloc (09022015). Collection method: clinical testing. Allele origin: germline.
Comment: In summary, the available evidence is currently insufficient to determine the role of this variant in disease. Therefore, it has been classified as a Variant of Uncertain Significance. Algorithms developed to predict the effect of missense changes on protein structure and function are either unavailable or do not agree on the potential impact of this missense change (SIFT: "Deleterious"; PolyPhen-2: "Probably Damaging"; Align-GVGD: "Class C0"). This variant has not been reported in the literature in individuals with PLEKHG5-related disease. This variant is not present in population databases (ExAC no frequency). This sequence change replaces cysteine with tyrosine at codon 27 of the PLEKHG5 protein (p.Cys27Tyr). The cysteine residue is moderately conserved and there is a large physicochemical difference between cysteine and tyrosine.

NM_020631.6(PLEKHG5):c.80G>A (p.Cys27Tyr)

Gene: PLEKHG5 (pleckstrin homology and RhoGEF domain containing G5; minus strand). Cytogenetic location: 1p36.31.
Variant type: single nucleotide variant.
Coding change: c.80G>A on transcript NM_020631.6 (MANE Select); coding-DNA position 80, G replaced by A.
Protein change: p.Cys27Tyr; replaces cysteine 27 with tyrosine.
Molecular consequence: missense variant.
Genome position (GRCh38, 1-based): chr1:6,476,000, C>T on the plus strand (G>A on the coding strand, the complement: PLEKHG5 is on the minus strand). VCF-style: chr1-6476000-C-T. GRCh37 (hg19) VCF-style: chr1-6536060-C-T.
Other names: c.191G>A, p.Cys64Tyr (NM_001042663.3, NM_001265592.2); c.80G>A, p.Cys27Tyr (NM_001042664.2, NM_001042665.2, NM_001265594.3 and 1 more transcripts); c.287G>A, p.Cys96Tyr (NM_001265593.2); short protein forms C27Y, C96Y, C64Y.
Identifiers: ClinVar variation 643246 (VCV000643246.9), dbSNP rs1569889912, ClinGen allele CA338141438.